The following is an entry in ClinVar:

NM_000051.4(ATM):c.1066-50T>A

Gene: ATM (ATM serine/threonine kinase; plus strand). Cytogenetic location: 11q22.3.
Variant type: single nucleotide variant.
Coding change: c.1066-50T>A on transcript NM_000051.4 (MANE Select); 50 bases into the intron before coding-DNA position 1066, T replaced by A.
Molecular consequence: intron variant.
Genome position (GRCh38, 1-based): chr11:108,248,883, T>A. VCF-style: chr11-108248883-T-A. GRCh37 (hg19) VCF-style: chr11-108119610-T-A.
Other names: c.1066-50T>A (NM_001351834.2).
Identifiers: ClinVar variation 4539290 (VCV004539290.1).

ClinVar aggregate classification (germline): Likely benign (1 of 4 stars; one submission).

Submission:

Center for Genomic Medicine, Rigshospitalet, Copenhagen University Hospital
Classification: Likely benign. Last evaluated: 2025-12-29. Review status: criteria provided, single submitter. Criteria: ACMG Guidelines, 2015. Collection method: clinical testing. Allele origin: germline.
Comment: Classification criteria: BP4, BP7